The following is an entry in ClinVar:

ClinVar aggregate classification (germline): Uncertain significance. Review status: criteria provided, multiple submitters, no conflicts (2 of 4 stars). 3 submissions from 3 submitters: Uncertain significance (3). Last evaluated 2025-08-06.

Conditions:
Stüve-Wiedemann syndrome 1. Also called: STUVE-WIEDEMANN/SCHWARTZ-JAMPEL TYPE 2 SYNDROME. Identifiers: Orphanet 3206, MedGen C5676888, MONDO:0800043, OMIM 601559.
Inborn genetic diseases. Identifiers: MedGen C0950123, MeSH D030342.

Allele frequency attached by ClinVar (database versions not stated): gnomAD 0.00001; gnomAD exomes 0.00003 and 0.00004; TOPMed 0.00004; ExAC 0.00005.
gnomAD v4.1: 58 of 1,613,976 alleles (0.0036%); highest among the groups gnomAD compares: South Asian, 0.015%; 1 homozygote.

Submissions (3):

Ambry Genetics
Classification: Uncertain significance for Inborn genetic diseases. Last evaluated: 2025-08-06. Review status: criteria provided, single submitter. Criteria: Ambry Variant Classification Scheme 2023. Collection method: clinical testing. Allele origin: germline.

Fulgent Genetics
Classification: Uncertain significance for Stüve-Wiedemann syndrome 1. Last evaluated: 2024-03-28. Review status: criteria provided, single submitter. Criteria: ACMG Guidelines, 2015. Collection method: clinical testing. Allele origin: germline.

Labcorp Genetics (formerly Invitae), Labcorp
Classification: Uncertain significance. Last evaluated: 2022-04-18. Review status: criteria provided, single submitter. Criteria: Invitae Variant Classification Sherloc (09022015). Collection method: clinical testing. Allele origin: germline.
Comment: This sequence change replaces arginine, which is basic and polar, with glutamine, which is neutral and polar, at codon 1066 of the LIFR protein (p.Arg1066Gln). This variant is present in population databases (rs368698516, gnomAD 0.02%), including at least one homozygous and/or hemizygous individual. This variant has not been reported in the literature in individuals affected with LIFR-related conditions. Algorithms developed to predict the effect of missense changes on protein structure and function are either unavailable or do not agree on the potential impact of this missense change (SIFT: "Tolerated"; PolyPhen-2: "Probably Damaging"; Align-GVGD: "Class C0"). In summary, the available evidence is currently insufficient to determine the role of this variant in disease. Therefore, it has been classified as a Variant of Uncertain Significance.

NM_001127671.2(LIFR):c.3197G>A (p.Arg1066Gln)

Gene: LIFR (LIF receptor subunit alpha; minus strand). Cytogenetic location: 5p13.1.
Variant type: single nucleotide variant.
Coding change: c.3197G>A on transcript NM_001127671.2 (MANE Select); coding-DNA position 3197, G replaced by A.
Protein change: p.Arg1066Gln; replaces arginine 1066 with glutamine.
Molecular consequence: missense variant.
Genome position (GRCh38, 1-based): chr5:38,481,692, C>T on the plus strand (G>A on the coding strand, the complement: LIFR is on the minus strand). VCF-style: chr5-38481692-C-T. GRCh37 (hg19) VCF-style: chr5-38481794-C-T.
Other names: c.3197G>A (NM_002310.5); c.3197G>A, p.Arg1066Gln (NM_001364297.2, NM_002310.6); c.3164G>A, p.Arg1055Gln (NM_001364298.2); short protein forms R1055Q, R1066Q.
Identifiers: ClinVar variation 1514746 (VCV001514746.5), dbSNP rs368698516, ClinGen allele CA3242487.